The following is an entry in ClinVar:

ClinVar aggregate classification (germline): Uncertain significance (1 of 4 stars; one submission).

Conditions:
Congenital myasthenic syndrome 4A. Also called: Myasthenic syndrome, congenital, 4a, slow-channel; MYASTHENIC SYNDROME, CONGENITAL, 4A, SLOW-CHANNEL, AUTOSOMAL RECESSIVE; CONGENITAL MYASTHENIC SYNDROME TYPE Ia1. Identifiers: Orphanet 590, MedGen C4225413, MONDO:0011600, OMIM 605809.

gnomAD v4.1: 3 of 1,614,092 alleles (0.00019%); highest among the groups gnomAD compares: South Asian, 0.0033%; no homozygotes.

Submission:

Labcorp Genetics (formerly Invitae), Labcorp
Classification: Uncertain significance for Congenital myasthenic syndrome 4A. Last evaluated: 2024-03-25. Review status: criteria provided, single submitter. Criteria: Invitae Variant Classification Sherloc (09022015). Collection method: clinical testing. Allele origin: germline.
Comment: This sequence change replaces proline, which is neutral and non-polar, with arginine, which is basic and polar, at codon 37 of the CHRNE protein (p.Pro37Arg). This variant is present in population databases (no rsID available, gnomAD 0.003%). This variant has not been reported in the literature in individuals affected with CHRNE-related conditions. Advanced modeling of protein sequence and biophysical properties (such as structural, functional, and spatial information, amino acid conservation, physicochemical variation, residue mobility, and thermodynamic stability) performed at Invitae indicates that this missense variant is not expected to disrupt CHRNE protein function with a negative predictive value of 95%. In summary, the available evidence is currently insufficient to determine the role of this variant in disease. Therefore, it has been classified as a Variant of Uncertain Significance.

NM_000080.4(CHRNE):c.110C>G (p.Pro37Arg)

Genes: C17orf107 (chromosome 17 open reading frame 107; plus strand), CHRNE (cholinergic receptor nicotinic epsilon subunit; minus strand). Cytogenetic location: 17p13.2.
Variant type: single nucleotide variant.
Coding change: c.110C>G on transcript NM_000080.4 (MANE Select); coding-DNA position 110, C replaced by G.
Protein change: p.Pro37Arg; replaces proline 37 with arginine.
Molecular consequence: missense variant. On other transcripts: 3 prime UTR variant (1).
Genome position (GRCh38, 1-based): chr17:4,902,700, G>C on the plus strand (C>G on the coding strand, the complement: CHRNE is on the minus strand). VCF-style: chr17-4902700-G-C. GRCh37 (hg19) VCF-style: chr17-4805995-G-C.
Other names: c.*2167G>C (NM_001145536.2); short protein forms P37R.
Identifiers: ClinVar variation 3665003 (VCV003665003.2).